The following is an entry in ClinVar:

ClinVar aggregate classification (germline): Conflicting classifications of pathogenicity. Review status: criteria provided, conflicting classifications (1 of 4 stars). 3 submissions from 3 submitters: Uncertain significance (2); Likely benign (1). Last evaluated 2026-04-23.

Allele frequency attached by ClinVar (database versions not stated): 1000 Genomes Project 30x 0.00031; ESP Exome Variant Server 0.00015; ExAC 0.00022; gnomAD exomes 0.00030.
gnomAD v4.1: 512 of 1,613,890 alleles (0.032%); highest among the groups gnomAD compares: African/African-American, 0.1%; no homozygotes.

Submissions (3):

Women's Health and Genetics/Laboratory Corporation of America, LabCorp
Classification: Uncertain significance. Last evaluated: 2026-04-23. Review status: criteria provided, single submitter. Criteria: LabCorp Variant Classification Summary - May 2015. Collection method: clinical testing. Allele origin: germline.
Comment: Variant summary: CFHR2 c.217G>A (p.Ala73Thr) results in a non-conservative amino acid change in the encoded protein sequence. Algorithms developed to predict the effect of missense changes on protein structure and function are either unavailable or do not agree on the potential impact of this missense change. The variant allele was found at a frequency of 0.0002 in 251174 control chromosomes. This frequency is not significantly higher than estimated for disease-causing variants in CFHR2, allowing no conclusion about variant significance. To our knowledge, no occurrence of c.217G>A in individuals affected with CFHR2-related conditions and no experimental evidence demonstrating its impact on protein function have been reported. ClinVar contains an entry for this variant (Variation ID: 2370593). Based on the evidence outlined above, the variant was classified as uncertain significance.

Mayo Clinic Laboratories, Mayo Clinic
Classification: Uncertain significance. Last evaluated: 2023-04-19. Review status: criteria provided, single submitter. Criteria: ACMG Guidelines, 2015. Collection method: clinical testing. Allele origin: germline. Observed: 2 variant alleles.
Comment: BP4

Ambry Genetics
Classification: Likely benign. Last evaluated: 2021-08-17. Review status: criteria provided, single submitter. Criteria: Ambry Variant Classification Scheme 2023. Collection method: clinical testing. Allele origin: germline.

NM_005666.4(CFHR2):c.217G>A (p.Ala73Thr)

Gene: CFHR2 (complement factor H related 2; plus strand). Cytogenetic location: 1q31.3.
Variant type: single nucleotide variant.
Coding change: c.217G>A on transcript NM_005666.4 (MANE Select); coding-DNA position 217, G replaced by A.
Protein change: p.Ala73Thr; replaces alanine 73 with threonine.
Molecular consequence: missense variant. On other transcripts: intron variant (1).
Genome position (GRCh38, 1-based): chr1:196,949,613, G>A. VCF-style: chr1-196949613-G-A. GRCh37 (hg19) VCF-style: chr1-196918743-G-A.
Other names: p.Ala73Thr; c.58+5675G>A (NM_001312672.1); short protein forms A73T.
Identifiers: ClinVar variation 2370593 (VCV002370593.4), dbSNP rs372833461, ClinGen allele CA1307346.